The following is an entry in ClinVar:

ClinVar aggregate classification (germline): Uncertain significance (1 of 4 stars; one submission).

Submission:

GeneDx
Classification: Uncertain significance. Last evaluated: 2022-10-14. Review status: criteria provided, single submitter. Criteria: GeneDx Variant Classification Process June 2021. Collection method: clinical testing. Allele origin: germline. Affected: yes.
Comment: Not observed at significant frequency in large population cohorts (gnomAD); In silico analysis supports that this missense variant does not alter protein structure/function; Has not been previously published as pathogenic or benign to our knowledge

NM_000038.6(APC):c.3580T>G (p.Ser1194Ala)

Gene: APC (APC regulator of WNT signaling pathway; plus strand). Cytogenetic location: 5q22.2.
Variant type: single nucleotide variant.
Coding change: c.3580T>G on transcript NM_000038.6 (MANE Select); coding-DNA position 3580, T replaced by G.
Protein change: p.Ser1194Ala; replaces serine 1194 with alanine.
Molecular consequence: missense variant. On other transcripts: non-coding transcript variant (2).
Genome position (GRCh38, 1-based): chr5:112,839,174, T>G. VCF-style: chr5-112839174-T-G. GRCh37 (hg19) VCF-style: chr5-112174871-T-G.
Other names: c.3580T>G, p.Ser1194Ala (NM_001127510.3, NM_001354895.2, NM_001407450.1); c.3526T>G, p.Ser1176Ala (NM_001127511.3); c.3634T>G, p.Ser1212Ala (NM_001354896.2, NM_001407447.1, NM_001407448.1 and 1 more transcripts); c.3610T>G, p.Ser1204Ala (NM_001354897.2); c.3505T>G, p.Ser1169Ala (NM_001354898.2); c.3496T>G, p.Ser1166Ala (NM_001354899.2); c.3457T>G, p.Ser1153Ala (NM_001354900.2); c.3403T>G, p.Ser1135Ala (NM_001354901.2, NM_001407453.1); and 11 more; short protein forms S1034A, S1065A, S1068A, S1093A, S1103A, S1111A, S1135A, S1153A.
Identifiers: ClinVar variation 2499219 (VCV002499219.1), dbSNP rs2533509139, ClinGen allele CA16029199.
Genomic context (GRCh38, chr5:112,839,174, plus strand): 5'-GATCAGCCTATTGATTATAGTTTAAAATATGCCACAGATATTCCTTCATCACAGAAACAG[T>G]CATTTTCATTCTCAAAGAGTTCATCTGGACAAAGCAGTAAAACCGAACATATGTCTTCAA-3'
Protein context (NP_000029.2, residues 1184-1204): ATDIPSSQKQ[Ser1194Ala]FSFSKSSSGQ